The following is an entry in ClinVar:

ClinVar aggregate classification (germline): Benign/Likely benign. Review status: criteria provided, multiple submitters, no conflicts (2 of 4 stars). 9 submissions from 6 submitters: Benign (5); Likely benign (4). Last evaluated 2025-12-01.

Conditions:
Cardiovascular phenotype. Identifiers: MedGen CN230736.
Dilated cardiomyopathy 1G (CMD1G). Identifiers: Orphanet 154, MedGen C1858763, MONDO:0011400, OMIM 604145.
Autosomal recessive limb-girdle muscular dystrophy type 2J (LGMDR10). Also called: Limb-girdle muscular dystrophy, type 2J; MUSCULAR DYSTROPHY, LIMB-GIRDLE, AUTOSOMAL RECESSIVE 10. Identifiers: Orphanet 140922, MedGen C1837342, MONDO:0012127, OMIM 608807.
Tibial muscular dystrophy (TMD). Also called: UDD MYOPATHY; Tibial muscular dystrophy, tardive; Udd Distal Myopathy – Tibial Muscular Dystrophy. Identifiers: Orphanet 609, MedGen C1838244, MONDO:0010870, OMIM 600334.
Myopathy, myofibrillar, 9, with early respiratory failure (MFM9). Also called: Hereditary myopathy with early respiratory failure; MYOPATHY, PROXIMAL, WITH EARLY RESPIRATORY MUSCLE INVOLVEMENT; Myopathy, distal, with early respiratory failure, autosomal dominant; EDSTROM MYOPATHY. Identifiers: Orphanet 178464, Orphanet 34521, MedGen C1863599, MONDO:0011362, OMIM 603689.
Early-onset myopathy with fatal cardiomyopathy (CMYO5). Also called: Salih Myopathy; CONGENITAL MYOPATHY 5 WITH CARDIOMYOPATHY. Identifiers: Orphanet 289377, MedGen C2673677, MONDO:0012714, OMIM 611705. Disease mechanism: loss of function.

Allele frequency attached by ClinVar (database versions not stated): gnomAD 0.00004 and 0.00003; TOPMed 0.00004; ExAC 0.00008; gnomAD exomes 0.00010 and 0.00007; ESP Exome Variant Server 0.00008.
gnomAD v4.1: 153 of 1,613,626 alleles (0.0095%); highest among the groups gnomAD compares: Non-Finnish European, 0.012%; no homozygotes.

Submissions (9):

Labcorp Genetics (formerly Invitae), Labcorp
Classification: Likely benign for Dilated cardiomyopathy 1G; Autosomal recessive limb-girdle muscular dystrophy type 2J. Last evaluated: 2025-12-01. Review status: criteria provided, single submitter. Criteria: Invitae Variant Classification Sherloc (09022015). Collection method: clinical testing. Allele origin: germline.

CeGaT Center for Human Genetics Tuebingen
Classification: Likely benign. Last evaluated: 2025-10-01. Review status: criteria provided, single submitter. Criteria: CeGaT Center For Human Genetics Tuebingen Variant Classification Criteria Version 2. Collection method: clinical testing. Allele origin: germline. Affected: yes. Observed: 1 variant allele.
Comment: TTN: BP4, BP7

Blueprint Genetics
Classification: Likely benign. Last evaluated: 2024-02-21. Review status: criteria provided, single submitter. Criteria: ACMG Guidelines, 2015. Collection method: clinical testing. Allele origin: germline.

Genome-Nilou Lab
Classification: Benign for Autosomal recessive limb-girdle muscular dystrophy type 2J. Last evaluated: 2021-09-10. Review status: criteria provided, single submitter. Criteria: ACMG Guidelines, 2015. Collection method: clinical testing. Allele origin: germline. Affected: no.

Genome-Nilou Lab
Classification: Benign for Myopathy, myofibrillar, 9, with early respiratory failure. Last evaluated: 2021-09-10. Review status: criteria provided, single submitter. Criteria: ACMG Guidelines, 2015. Collection method: clinical testing. Allele origin: germline. Affected: no.

Genome-Nilou Lab
Classification: Benign for Early-onset myopathy with fatal cardiomyopathy. Last evaluated: 2021-09-10. Review status: criteria provided, single submitter. Criteria: ACMG Guidelines, 2015. Collection method: clinical testing. Allele origin: germline. Affected: no.

Genome-Nilou Lab
Classification: Benign for Tibial muscular dystrophy. Last evaluated: 2021-09-10. Review status: criteria provided, single submitter. Criteria: ACMG Guidelines, 2015. Collection method: clinical testing. Allele origin: germline. Affected: no.

Ambry Genetics
Classification: Likely benign for Cardiovascular phenotype. Last evaluated: 2020-03-25. Review status: criteria provided, single submitter. Criteria: Ambry Variant Classification Scheme 2023. Collection method: clinical testing. Allele origin: germline.

GeneDx
Classification: Benign. Last evaluated: 2014-05-21. Review status: criteria provided, single submitter. Criteria: GeneDx Variant Classification (06012015). Collection method: clinical testing. Allele origin: germline. Affected: yes.
Comment: This variant is considered likely benign or benign based on one or more of the following criteria: it is a conservative change, it occurs at a poorly conserved position in the protein, it is predicted to be benign by multiple in silico algorithms, and/or has population frequency not consistent with disease.

NM_001267550.2(TTN):c.98367G>A (p.Lys32789=)

Genes: TTN (titin; minus strand), TTN-AS1 (TTN antisense RNA 1; plus strand). Cytogenetic location: 2q31.2.
Variant type: single nucleotide variant.
Coding change: c.98367G>A on transcript NM_001267550.2 (MANE Select); coding-DNA position 98367, G replaced by A.
Protein change: p.Lys32789=; no amino-acid change (lysine 32789 retained).
Molecular consequence: synonymous variant. On other transcripts: non-coding transcript variant (1).
Genome position (GRCh38, 1-based): chr2:178,539,698, C>T on the plus strand (G>A on the coding strand, the complement: TTN is on the minus strand). VCF-style: chr2-178539698-C-T. GRCh37 (hg19) VCF-style: chr2-179404425-C-T.
Other names: p.K31148K:AAG>AAA; c.93444G>A, p.Lys31148= (NM_001256850.1); c.71172G>A, p.Lys23724= (NM_003319.4); c.90663G>A, p.Lys30221= (NM_133378.4); c.71547G>A, p.Lys23849= (NM_133432.3); c.71748G>A, p.Lys23916= (NM_133437.4).
Identifiers: ClinVar variation 137816 (VCV000137816.21), dbSNP rs72648274, ClinGen allele CA291489.
Genomic context (GRCh38, chr2:178,539,698, plus strand): 5'-TTGGATGTCATCATATTCCAGTGGCCCTTCTGGACTGTTGGGACTTCCTATCACCCTGAC[C>T]TTGATGTAGACAGCCTTCTTGCCACATTTATTTTCCAGAACCAGGTCATAAGTGCCAGAA-3'
Protein context (NP_001254479.2, residues 32779-32799): NKCGKKAVYI[Lys32789=]VRVIGSPNSP